The following is an entry in ClinVar:

NM_002691.4(POLD1):c.1685A>G (p.Gln562Arg)

Gene: POLD1 (DNA polymerase delta 1, catalytic subunit; plus strand). Cytogenetic location: 19q13.33.
Variant type: single nucleotide variant.
Coding change: c.1685A>G on transcript NM_002691.4 (MANE Select); coding-DNA position 1685, A replaced by G.
Protein change: p.Gln562Arg; replaces glutamine 562 with arginine.
Molecular consequence: missense variant. On other transcripts: non-coding transcript variant (1).
Genome position (GRCh38, 1-based): chr19:50,407,173, A>G. VCF-style: chr19-50407173-A-G. GRCh37 (hg19) VCF-style: chr19-50910430-A-G.
Other names: c.1685A>G (NM_002691.2); c.1685A>G, p.Gln562Arg (NM_001256849.1, NM_001308632.1); short protein forms Q562R.
Identifiers: ClinVar variation 837928 (VCV000837928.10), dbSNP rs1160190395, ClinGen allele CA406981124.

ClinVar aggregate classification (germline): Uncertain significance. Review status: criteria provided, multiple submitters, no conflicts (2 of 4 stars). 2 submissions from 2 submitters: Uncertain significance (2). Last evaluated 2025-12-02.

Conditions:
Hereditary cancer-predisposing syndrome. Also called: Tumor predisposition; Hereditary Cancer Syndrome; Hereditary neoplastic syndrome; Neoplastic Syndromes, Hereditary. Identifiers: Orphanet 140162, MedGen C0027672, MeSH D009386, MONDO:0015356.
POLD1-related polyposis and colorectal cancer syndrome (CRCS10). Also called: Colorectal cancer 10; COLORECTAL CANCER, SUSCEPTIBILITY TO, ON CHROMOSOME 19q; Colorectal cancer, susceptibility to, 10. Identifiers: Orphanet 220460, MedGen C2675481, MONDO:0012953, OMIM 612591.

Allele frequency attached by ClinVar (database versions not stated): gnomAD exomes below 0.00001.
gnomAD v4.1: 2 of 1,599,422 alleles (0.00013%); highest among the groups gnomAD compares: Non-Finnish European, 0.00017%; no homozygotes.

Submissions (2):

Ambry Genetics
Classification: Uncertain significance for Hereditary cancer-predisposing syndrome. Last evaluated: 2025-12-02. Review status: criteria provided, single submitter. Criteria: Ambry Variant Classification Scheme 2023. Collection method: clinical testing. Allele origin: germline.
Comment: The p.Q562R variant (also known as c.1685A>G), located in coding exon 12 of the POLD1 gene, results from an A to G substitution at nucleotide position 1685. The glutamine at codon 562 is replaced by arginine, an amino acid with highly similar properties. This amino acid position is highly conserved in available vertebrate species. In addition, this alteration is predicted to be tolerated by in silico analysis. Based on the available evidence, the clinical significance of this variant remains unclear.

Labcorp Genetics (formerly Invitae), Labcorp
Classification: Uncertain significance for POLD1-related polyposis and colorectal cancer syndrome. Last evaluated: 2025-10-20. Review status: criteria provided, single submitter. Criteria: Invitae Variant Classification Sherloc (09022015). Collection method: clinical testing. Allele origin: germline.
Comment: This sequence change replaces glutamine, which is neutral and polar, with arginine, which is basic and polar, at codon 562 of the POLD1 protein (p.Gln562Arg). This variant is not present in population databases (gnomAD no frequency). This variant has not been reported in the literature in individuals affected with POLD1-related conditions. ClinVar contains an entry for this variant (Variation ID: 837928). An algorithm developed to predict the effect of missense changes on protein structure and function (PolyPhen-2) suggests that this variant is likely to be disruptive. Studies have shown that this missense change is associated with inconclusive levels of altered splicing (internal data). In summary, the available evidence is currently insufficient to determine the role of this variant in disease. Therefore, it has been classified as a Variant of Uncertain Significance.